The following is an entry in ClinVar:

NM_015450.3(POT1):c.1486G>T (p.Gly496Ter)

Gene: POT1 (protection of telomeres 1; minus strand). Cytogenetic location: 7q31.33.
Variant type: single nucleotide variant.
Coding change: c.1486G>T on transcript NM_015450.3 (MANE Select); coding-DNA position 1486, G replaced by T.
Protein change: p.Gly496Ter; replaces glycine 496 with a stop codon.
Molecular consequence: nonsense. On other transcripts: non-coding transcript variant (3).
Genome position (GRCh38, 1-based): chr7:124,835,298, C>A on the plus strand (G>T on the coding strand, the complement: POT1 is on the minus strand). VCF-style: chr7-124835298-C-A. GRCh37 (hg19) VCF-style: chr7-124475352-C-A.
Other names: c.1093G>T, p.Gly365Ter (NM_001042594.2); short protein forms G365*, G496*.
Identifiers: ClinVar variation 3936292 (VCV003936292.1).
Genomic context (GRCh38, chr7:124,835,298, plus strand): 5'-ATAATAAACAAAACAAAACAAAACAAAACAAAACAAAATACCCATAGTGATGTATTGTTC[C>A]TTGTATAAGAAATGGTGCTGAAAGGTCCAAAAGTTCCAGGTCTTCGTGGCCAGATCTCAC-3'

ClinVar aggregate classification (germline): Pathogenic (1 of 4 stars; one submission).

Conditions:
Hereditary cancer-predisposing syndrome. Also called: Tumor predisposition; Hereditary neoplastic syndrome; Hereditary Cancer Syndrome; Neoplastic Syndromes, Hereditary. Identifiers: Orphanet 140162, MedGen C0027672, MeSH D009386, MONDO:0015356.

Submission:

Ambry Genetics
Classification: Pathogenic for Hereditary cancer-predisposing syndrome. Last evaluated: 2025-04-30. Review status: criteria provided, single submitter. Criteria: Ambry Variant Classification Scheme 2023. Collection method: clinical testing. Allele origin: germline.
Comment: The p.G496* pathogenic mutation (also known as c.1486G>T), located in coding exon 11 of the POT1 gene, results from a G to T substitution at nucleotide position 1486. This changes the amino acid from a glycine to a stop codon within coding exon 11. This variant is considered to be rare based on population cohorts in the Genome Aggregation Database (gnomAD). This alteration is expected to result in loss of function by premature protein truncation or nonsense-mediated mRNA decay. As such, this alteration is interpreted as a disease-causing mutation.